The following is an entry in ClinVar:

ClinVar aggregate classification (germline): Uncertain significance (1 of 4 stars; one submission).

Conditions:
Mucopolysaccharidosis, MPS-IV-A (MPS4A). Also called: Mucopolysaccharidosis type IV A; Mucopolysaccharidosis Type IVA; Morquio syndrome A, mild; MORQUIO SYNDROME A; MPS IVA; mucopolysaccharidosis type 4A. Identifiers: Orphanet 309297, Orphanet 582, MedGen C0086651, MONDO:0009659, OMIM 253000.

Allele frequency attached by ClinVar (database versions not stated): TOPMed 0.00001; ExAC 0.00002; gnomAD exomes below 0.00001 and 0.00001; gnomAD 0.00001.
gnomAD v4.1: 22 of 1,610,620 alleles (0.0014%); highest among the groups gnomAD compares: Non-Finnish European, 0.0017%; no homozygotes.

Submission:

Laboratory of Diagnosis and Therapy of Lysosomal Disorders, University of Padova
Classification: Uncertain significance for Mucopolysaccharidosis, MPS-IV-A. Last evaluated: 2021-02-01. Review status: criteria provided, single submitter. Criteria: ACMG Guidelines, 2015. Collection method: curation. Allele origin: germline. Affected: yes.
Comment: The prevalence of the variant in affected individuals is significantly increased compared with the prevalence in controls (PS4_supporting); very low frequency in gnomAD v2.1.1 (PM2_moderate)

Literature cited by the submitters: PubMed 26502894; PubMed 34387910.

NM_000512.5(GALNS):c.121-31T>C

Gene: GALNS (galactosamine (N-acetyl)-6-sulfatase; minus strand). Cytogenetic location: 16q24.3.
Variant type: single nucleotide variant.
Coding change: c.121-31T>C on transcript NM_000512.5 (MANE Select); 31 bases into the intron before coding-DNA position 121, T replaced by C.
Molecular consequence: intron variant.
Genome position (GRCh38, 1-based): chr16:88,842,860, A>G on the plus strand (T>C on the coding strand, the complement: GALNS is on the minus strand). VCF-style: chr16-88842860-A-G. GRCh37 (hg19) VCF-style: chr16-88909268-A-G.
Other names: c.139-31T>C (NM_001323544.2); c.-311-889T>C (NM_001323543.2).
Identifiers: ClinVar variation 1048374 (VCV001048374.3), dbSNP rs776895500, ClinGen allele CA8235289.